The following is an entry in ClinVar:

ClinVar aggregate classification (germline): Likely pathogenic (1 of 4 stars; one submission).

Submission:

GeneDx
Classification: Likely pathogenic. Last evaluated: 2024-05-17. Review status: criteria provided, single submitter. Criteria: GeneDx Variant Classification Process June 2021. Collection method: clinical testing. Allele origin: germline. Affected: yes.
Comment: Not observed in large population cohorts (gnomAD); In silico analysis supports that this missense variant has a deleterious effect on protein structure/function; This variant is associated with the following publications: (PMID: 24782644, 23778487)

NM_004387.4(NKX2-5):c.55A>G (p.Asn19Asp)

Gene: NKX2-5 (NK2 homeobox 5; minus strand). Cytogenetic location: 5q35.1.
Variant type: single nucleotide variant.
Coding change: c.55A>G on transcript NM_004387.4 (MANE Select); coding-DNA position 55, A replaced by G.
Protein change: p.Asn19Asp; replaces asparagine 19 with aspartic acid.
Molecular consequence: missense variant.
Genome position (GRCh38, 1-based): chr5:173,235,029, T>C on the plus strand (A>G on the coding strand, the complement: NKX2-5 is on the minus strand). VCF-style: chr5-173235029-T-C. GRCh37 (hg19) VCF-style: chr5-172662032-T-C.
Other names: c.55A>G, p.Asn19Asp (NM_001166175.2, NM_001166176.2); short protein forms N19D.
Identifiers: ClinVar variation 3377993 (VCV003377993.1).
Genomic context (GRCh38, chr5:173,235,029, plus strand): 5'-CCTCCAGGCGGGCAGAGAGCTCTCCGGCGGCAGCCAGGCTGCGCTGCTGCTGTTCCAGGT[T>C]TAGGATGTCTTTGACTGAGAAGGGCGTGGGCGTGAGAGCAGGGCTGGGGAACATGGTGGC-3'
Protein context (NP_004378.1, residues 9-29): PTPFSVKDIL[Asn19Asp]LEQQQRSLAA